The following is an entry in ClinVar:

NM_003660.4(PPFIA3):c.216C>T (p.Arg72=)

Genes: PPFIA3 (PPFI scaffold protein A3; plus strand), LOC130064903 (ATAC-STARR-seq lymphoblastoid silent region 10914; plus strand). Cytogenetic location: 19q13.33.
Variant type: single nucleotide variant.
Coding change: c.216C>T on transcript NM_003660.4 (MANE Select); coding-DNA position 216, C replaced by T.
Protein change: p.Arg72=; no amino-acid change (arginine 72 retained).
Molecular consequence: synonymous variant. On other transcripts: non-coding transcript variant (1).
Genome position (GRCh38, 1-based): chr19:49,128,089, C>T. VCF-style: chr19-49128089-C-T. GRCh37 (hg19) VCF-style: chr19-49631346-C-T.
Identifiers: ClinVar variation 4280996 (VCV004280996.7).

ClinVar aggregate classification (germline): Likely benign (1 of 4 stars; one submission).

Submission:

CeGaT Center for Human Genetics Tuebingen
Classification: Likely benign. Last evaluated: 2025-09-01. Review status: criteria provided, single submitter. Criteria: CeGaT Center For Human Genetics Tuebingen Variant Classification Criteria Version 2. Collection method: clinical testing. Allele origin: germline. Affected: yes. Observed: 1 variant allele.
Comment: PPFIA3: BP4, BP7